The following is an entry in ClinVar:

NM_001386298.1(CIC):c.2055T>A (p.Pro685=)

Gene: CIC (capicua transcriptional repressor; plus strand). Cytogenetic location: 19q13.2.
Variant type: single nucleotide variant.
Coding change: c.2055T>A on transcript NM_001386298.1 (MANE Select); coding-DNA position 2055, T replaced by A.
Protein change: p.Pro685=; no amino-acid change (proline 685 retained).
Molecular consequence: synonymous variant.
Genome position (GRCh38, 1-based): chr19:42,273,838, T>A. VCF-style: chr19-42273838-T-A. GRCh37 (hg19) VCF-style: chr19-42777990-T-A.
Other names: c.2055T>A, p.Pro685= (NM_001304815.2, NM_001379480.1, NM_001379482.1).
Identifiers: ClinVar variation 3778038 (VCV003778038.7).

ClinVar aggregate classification (germline): Likely benign (1 of 4 stars; one submission).

Submission:

CeGaT Center for Human Genetics Tuebingen
Classification: Likely benign. Last evaluated: 2025-03-01. Review status: criteria provided, single submitter. Criteria: CeGaT Center For Human Genetics Tuebingen Variant Classification Criteria Version 2. Collection method: clinical testing. Allele origin: germline. Affected: yes. Observed: 1 variant allele.
Comment: CIC: PM2:Supporting, BP4, BP7